The following is an entry in ClinVar:

NM_000493.4(COL10A1):c.1741C>A (p.His581Asn)

Genes: COL10A1 (collagen type X alpha 1 chain; minus strand), NT5DC1 (5'-nucleotidase domain containing 1; plus strand). Cytogenetic location: 6q22.1.
Variant type: single nucleotide variant.
Coding change: c.1741C>A on transcript NM_000493.4 (MANE Select); coding-DNA position 1741, C replaced by A.
Protein change: p.His581Asn; replaces histidine 581 with asparagine.
Molecular consequence: missense variant. On other transcripts: intron variant (1).
Genome position (GRCh38, 1-based): chr6:116,120,375, G>T on the plus strand (C>A on the coding strand, the complement: COL10A1 is on the minus strand). VCF-style: chr6-116120375-G-T. GRCh37 (hg19) VCF-style: chr6-116441538-G-T.
Other names: c.1741C>A, p.His581Asn (NM_001424106.1, NM_001424107.1); c.529+2430G>T (NM_152729.3); short protein forms H581N.
Identifiers: ClinVar variation 1977385 (VCV001977385.5), dbSNP rs1161571454, ClinGen allele CA365387025.

ClinVar aggregate classification (germline): Uncertain significance (1 of 4 stars; one submission).

Submission:

Labcorp Genetics (formerly Invitae), Labcorp
Classification: Uncertain significance. Last evaluated: 2022-08-22. Review status: criteria provided, single submitter. Criteria: Invitae Variant Classification Sherloc (09022015). Collection method: clinical testing. Allele origin: germline.
Comment: In summary, the available evidence is currently insufficient to determine the role of this variant in disease. Therefore, it has been classified as a Variant of Uncertain Significance. Algorithms developed to predict the effect of missense changes on protein structure and function are either unavailable or do not agree on the potential impact of this missense change (SIFT: "Deleterious"; PolyPhen-2: "Probably Damaging"; Align-GVGD: "Class C0"). This variant has not been reported in the literature in individuals affected with COL10A1-related conditions. This variant is not present in population databases (gnomAD no frequency). This sequence change replaces histidine, which is basic and polar, with asparagine, which is neutral and polar, at codon 581 of the COL10A1 protein (p.His581Asn).